The following is an entry in ClinVar:

ClinVar aggregate classification (germline): Uncertain significance. Review status: criteria provided, multiple submitters, no conflicts (2 of 4 stars). 3 submissions from 3 submitters: Uncertain significance (2). 1 of the submissions does not count toward it. Last evaluated 2023-08-31.

Conditions:
Autosomal dominant polycystic liver disease. Also called: Congenital cystic disease of liver; Polycystic liver disease. Identifiers: Orphanet 2924, MedGen C0158683, MONDO:0000447, HP:0006557.

gnomAD v4.1: 1 of 1,614,180 alleles (0.000062%); highest among the groups gnomAD compares: South Asian, 0.0011%; no homozygotes.

Submissions (3):

Blueprint Genetics
Classification: Uncertain significance. Last evaluated: 2023-08-31. Review status: criteria provided, single submitter. Criteria: ACMG Guidelines, 2015. Collection method: clinical testing. Allele origin: germline.

Mayo Clinic Laboratories, Mayo Clinic
Classification: Uncertain significance. Last evaluated: 2023-07-25. Review status: criteria provided, single submitter. Criteria: ACMG Guidelines, 2015. Collection method: clinical testing. Allele origin: germline. Observed: 1 variant allele.
Comment: PP2, PM2, PS3_supporting, PS4_moderate

Laboratory of Gastroenterology and Hepatology, Radboud University Medical Center
Classification: Likely pathogenic for Autosomal dominant polycystic liver disease. Last evaluated: 2021-09-01. Review status: no assertion criteria provided. Collection method: research. Allele origin: germline. Affected: yes. Not counted in ClinVar's aggregate classification.

Literature cited by the submitters: PubMed 36478640 (cited by Mayo Clinic Laboratories, Mayo Clinic).

NM_013336.4(SEC61A1):c.706C>T (p.Arg236Cys)

Genes: RUVBL1 (RuvB like AAA ATPase 1; minus strand), SEC61A1 (SEC61 translocon subunit alpha 1; plus strand). Cytogenetic location: 3q21.3.
Variant type: single nucleotide variant.
Coding change: c.706C>T on transcript NM_013336.4 (MANE Select); coding-DNA position 706, C replaced by T.
Protein change: p.Arg236Cys; replaces arginine 236 with cysteine.
Molecular consequence: missense variant. On other transcripts: 3 prime UTR variant (1).
Genome position (GRCh38, 1-based): chr3:128,064,966, C>T. VCF-style: chr3-128064966-C-T. GRCh37 (hg19) VCF-style: chr3-127783809-C-T.
Other names: p.Arg236Cys; c.724C>T, p.Arg242Cys (NM_001400328.1); c.547C>T, p.Arg183Cys (NM_001400329.1); c.*246G>A (NM_001319086.1); short protein forms R236C, R183C, R242C.
Identifiers: ClinVar variation 1255613 (VCV001255613.5), dbSNP rs2107647591, ClinGen allele CA354397716.